The following is an entry in ClinVar:

NM_153704.6(TMEM67):c.1832C>T (p.Thr611Ile)

Gene: TMEM67 (transmembrane protein 67; plus strand). Cytogenetic location: 8q22.1.
Variant type: single nucleotide variant.
Coding change: c.1832C>T on transcript NM_153704.6 (MANE Select); coding-DNA position 1832, C replaced by T.
Protein change: p.Thr611Ile; replaces threonine 611 with isoleucine.
Molecular consequence: missense variant. On other transcripts: non-coding transcript variant (1).
Genome position (GRCh38, 1-based): chr8:93,795,959, C>T. VCF-style: chr8-93795959-C-T. GRCh37 (hg19) VCF-style: chr8-94808187-C-T.
Other names: c.1589C>T, p.Thr530Ile (NM_001142301.1); short protein forms T530I, T611I.
Identifiers: ClinVar variation 2029698 (VCV002029698.1), dbSNP rs759730591, ClinGen allele CA4808115.
Genomic context (GRCh38, chr8:93,795,959, plus strand): 5'-AGGCACAGAAGTCTGTGTCTGTTTTGCTGCCAATGCCAATTCAGGAAGAACGTTTTGTCA[C>T]TTATGTTGGATGTGCCTTTGCTCTGAAGGTAAGTTTTAAAGGACAGGTTACCAAATTTAA-3'
Protein context (NP_714915.3, residues 601-621): PMPIQEERFV[Thr611Ile]YVGCAFALKA

ClinVar aggregate classification (germline): Uncertain significance (1 of 4 stars; one submission).

Conditions:
Joubert syndrome. Also called: CEREBELLOPARENCHYMAL DISORDER IV; JOUBERT-BOLTSHAUSER SYNDROME; Familial aplasia of the vermis. Identifiers: Orphanet 475, MedGen C5979921, MONDO:0018772.
Meckel-Gruber syndrome. Also called: DYSENCEPHALIA SPLANCHNOCYSTICA; GRUBER SYNDROME; Dysencephalia splachnocystica. Identifiers: Orphanet 564, MedGen C0265215, MONDO:0018921.

Allele frequency attached by ClinVar (database versions not stated): ExAC 0.00001; gnomAD 0.00001.
gnomAD v4.1: 1 of 1,613,374 alleles (0.000062%); highest among the groups gnomAD compares: Non-Finnish European, 0.000085%; no homozygotes.

Submission:

Labcorp Genetics (formerly Invitae), Labcorp
Classification: Uncertain significance for Joubert syndrome; Meckel-Gruber syndrome. Last evaluated: 2022-07-01. Review status: criteria provided, single submitter. Criteria: Invitae Variant Classification Sherloc (09022015). Collection method: clinical testing. Allele origin: germline.
Comment: This sequence change replaces threonine, which is neutral and polar, with isoleucine, which is neutral and non-polar, at codon 611 of the TMEM67 protein (p.Thr611Ile). This variant is present in population databases (rs759730591, gnomAD 0.0009%). This variant has not been reported in the literature in individuals affected with TMEM67-related conditions. Advanced modeling of protein sequence and biophysical properties (such as structural, functional, and spatial information, amino acid conservation, physicochemical variation, residue mobility, and thermodynamic stability) performed at Invitae indicates that this missense variant is not expected to disrupt TMEM67 protein function. In summary, the available evidence is currently insufficient to determine the role of this variant in disease. Therefore, it has been classified as a Variant of Uncertain Significance.